The following is an entry in ClinVar:

NM_001367624.2(ZNF469):c.5903C>A (p.Pro1968His)

Gene: ZNF469 (zinc finger protein 469; plus strand). Cytogenetic location: 16q24.2.
Variant type: single nucleotide variant.
Coding change: c.5903C>A on transcript NM_001367624.2 (MANE Select); coding-DNA position 5903, C replaced by A.
Protein change: p.Pro1968His; replaces proline 1968 with histidine.
Molecular consequence: missense variant.
Genome position (GRCh38, 1-based): chr16:88,433,373, C>A. VCF-style: chr16-88433373-C-A. GRCh37 (hg19) VCF-style: chr16-88499781-C-A.
Other names: NM_001127464.1:c.5819C>A; short protein forms P1968H.
Identifiers: ClinVar variation 3232833 (VCV003232833.1), dbSNP rs760679863, ClinGen allele CA8225114.

ClinVar aggregate classification (germline): Uncertain significance (1 of 4 stars; one submission).

Conditions:
Cardiovascular phenotype. Identifiers: MedGen CN230736.

Allele frequency attached by ClinVar (database versions not stated): gnomAD 0.00002; ExAC 0.00006.
gnomAD v4.1: 7 of 1,550,236 alleles (0.00045%); highest among the groups gnomAD compares: South Asian, 0.0083%; no homozygotes.

Submission:

Ambry Genetics
Classification: Uncertain significance for Cardiovascular phenotype. Last evaluated: 2024-01-13. Review status: criteria provided, single submitter. Criteria: Ambry Variant Classification Scheme 2023. Collection method: clinical testing. Allele origin: germline.
Comment: The p.P1940H variant (also known as c.5819C>A), located in coding exon 2 of the ZNF469 gene, results from a C to A substitution at nucleotide position 5819. The proline at codon 1940 is replaced by histidine, an amino acid with similar properties. This amino acid position is conserved. In addition, this alteration is predicted to be tolerated by in silico analysis. Since supporting evidence is limited at this time, the clinical significance of this alteration remains unclear.